The following is an entry in ClinVar:

ClinVar aggregate classification (germline): Benign/Likely benign. Review status: criteria provided, multiple submitters, no conflicts (2 of 4 stars). 9 submissions from 9 submitters: Benign (6); Likely benign (2). 1 of the submissions does not count toward it. Last evaluated 2025-12-29.

Conditions:
AIFM1-related disorder. Also called: AIFM1-related condition.
Combined oxidative phosphorylation deficiency. Identifiers: MedGen C4540031, MONDO:0000732.
Charcot-Marie-Tooth Neuropathy X. Identifiers: MedGen CN118851.
Inborn genetic diseases. Identifiers: MedGen C0950123, MeSH D030342.
Charcot-Marie-Tooth disease. Also called: Charcot-Marie-Tooth Hereditary Neuropathy; Charcot-Marie-Tooth Neuropathy. Identifiers: Orphanet 166, MedGen C0007959, MONDO:0015626.
Severe X-linked mitochondrial encephalomyopathy. Also called: ENCEPHALOMYOPATHY, MITOCHONDRIAL, X-LINKED. Identifiers: Orphanet 238329, MedGen C3151753, MONDO:0010437, OMIM 300816.

Allele frequency attached by ClinVar (database versions not stated): gnomAD exomes 0.00030 and 0.00068; ExAC 0.00079; gnomAD 0.00254 and 0.00268; 1000 Genomes Project 0.00291; ESP Exome Variant Server 0.00293; TOPMed 0.00296; 1000 Genomes Project 30x 0.00312.
gnomAD v4.1: 617 of 1,209,289 alleles (0.051%); highest among the groups gnomAD compares: African/African-American, 0.85%; 1 homozygote.

Submissions (9):

Labcorp Genetics (formerly Invitae), Labcorp
Classification: Benign for Charcot-Marie-Tooth Neuropathy X; Combined oxidative phosphorylation deficiency. Last evaluated: 2025-12-29. Review status: criteria provided, single submitter. Criteria: Invitae Variant Classification Sherloc (09022015). Collection method: clinical testing. Allele origin: germline.

Blueprint Genetics
Classification: Likely benign. Last evaluated: 2024-09-18. Review status: criteria provided, single submitter. Criteria: ACMG Guidelines, 2015. Collection method: clinical testing. Allele origin: germline.

Ambry Genetics
Classification: Likely benign for Inborn genetic diseases. Last evaluated: 2019-07-11. Review status: criteria provided, single submitter. Criteria: Ambry Variant Classification Scheme 2023. Collection method: clinical testing. Allele origin: germline.

Eurofins Ntd Llc (ga)
Classification: Benign. Last evaluated: 2018-09-04. Review status: criteria provided, single submitter. Criteria: EGL ClinVar v180209 classification definitions. Collection method: clinical testing. Allele origin: germline. Observed: 1 variant allele, 1 hemizygote.

Illumina Laboratory Services, Illumina
Classification: Benign for Severe X-linked mitochondrial encephalomyopathy. Last evaluated: 2018-01-12. Review status: criteria provided, single submitter. Criteria: ICSL Variant Classification Criteria 13 December 2019. Collection method: clinical testing. Allele origin: germline.
Comment: This variant was observed in the ICSL laboratory as part of a predisposition screen in an ostensibly healthy population. It had not been previously curated by ICSL or reported in the Human Gene Mutation Database (HGMD: prior to June 1st, 2018), and was therefore a candidate for classification through an automated scoring system. Utilizing variant allele frequency, disease prevalence and penetrance estimates, and inheritance mode, an automated score was calculated to assess if this variant is too frequent to cause the disease. Based on the score and internal cut-off values, a variant classified as benign is not then subjected to further curation. The score for this variant resulted in a classification of benign for this disease.

GeneDx
Classification: Benign. Last evaluated: 2014-03-13. Review status: criteria provided, single submitter. Criteria: GeneDx Variant Classification (06012015). Collection method: clinical testing. Allele origin: germline. Affected: yes.
Comment: This variant is considered likely benign or benign based on one or more of the following criteria: it is a conservative change, it occurs at a poorly conserved position in the protein, it is predicted to be benign by multiple in silico algorithms, and/or has population frequency not consistent with disease.

Breakthrough Genomics
Classification: Benign. Review status: criteria provided, single submitter. Criteria: ACMG Guidelines, 2015. Collection method: not provided. Allele origin: germline. Inheritance: X-linked inheritance. Affected: yes.

Molecular Genetics Laboratory, London Health Sciences Centre
Classification: Benign for Charcot-Marie-Tooth disease. Review status: criteria provided, single submitter. Criteria: ACMG Guidelines, 2015. Collection method: clinical testing. Allele origin: germline. Affected: yes.

PreventionGenetics, part of Exact Sciences
Classification: Benign for AIFM1-related condition. Last evaluated: 2020-08-25. Review status: no assertion criteria provided. Collection method: clinical testing. Allele origin: germline. Not counted in ClinVar's aggregate classification.
Comment: This variant is classified as benign based on ACMG/AMP sequence variant interpretation guidelines (Richards et al. 2015 PMID: 25741868, with internal and published modifications).

NM_004208.4(AIFM1):c.1416T>C (p.Ala472=)

Genes: AIFM1 (apoptosis inducing factor mitochondria associated 1; minus strand), RAB33A (RAB33A, member RAS oncogene family; plus strand). Cytogenetic location: Xq26.1.
Variant type: single nucleotide variant.
Coding change: c.1416T>C on transcript NM_004208.4 (MANE Select); coding-DNA position 1416, T replaced by C.
Protein change: p.Ala472=; no amino-acid change (alanine 472 retained).
Molecular consequence: synonymous variant. On other transcripts: 3 prime UTR variant (1), non-coding transcript variant (1).
Genome position (GRCh38, 1-based): chrX:130,133,345, A>G on the plus strand (T>C on the coding strand, the complement: AIFM1 is on the minus strand). VCF-style: chrX-130133345-A-G. GRCh37 (hg19) VCF-style: chrX-129267320-A-G.
Other names: p.A472A:GCT>GCC; c.399T>C, p.Ala133= (NM_001130846.4); c.*644T>C (NM_001130847.4); c.1404T>C, p.Ala468= (NM_145812.3).
Identifiers: ClinVar variation 136324 (VCV000136324.26), dbSNP rs141324245, ClinGen allele CA289335.
Genomic context (GRCh38, chrX:130,133,345, plus strand): 5'-TTGGGTCTCCAAGGCACACCACTATTACCAGAACATTGACTGATGCCAGTACGGCTTAGC[A>G]GCTCCAGTCATATTTTCTCCAGCCAATCTTCCACTCACAACAGCGTGATCATGGTGCTCT-3'
Protein context (NP_004199.1, residues 462-482): GRLAGENMTG[Ala472=]AKPYWHQSMF